The following is an entry in ClinVar:

NM_001367624.2(ZNF469):c.2653C>G (p.Leu885Val)

Gene: ZNF469 (zinc finger protein 469; plus strand). Cytogenetic location: 16q24.2.
Variant type: single nucleotide variant.
Coding change: c.2653C>G on transcript NM_001367624.2 (MANE Select); coding-DNA position 2653, C replaced by G.
Protein change: p.Leu885Val; replaces leucine 885 with valine.
Molecular consequence: missense variant.
Genome position (GRCh38, 1-based): chr16:88,430,123, C>G. VCF-style: chr16-88430123-C-G. GRCh37 (hg19) VCF-style: chr16-88496531-C-G.
Other names: NM_001127464.1:c.2653C>G; NM_001127464.2:c.2653C>G; p.Leu885Val; short protein forms L885V.
Identifiers: ClinVar variation 424389 (VCV000424389.22), dbSNP rs139653501, ClinGen allele CA8224789.

ClinVar aggregate classification (germline): Benign/Likely benign. Review status: criteria provided, multiple submitters, no conflicts (2 of 4 stars). 10 submissions from 10 submitters: Benign (6); Likely benign (2). 2 of the submissions do not count toward it. Last evaluated 2026-02-04.

Conditions:
Brittle cornea syndrome 1 (BCS1). Also called: Corneal fragility keratoglobus, blue sclerae AND joint hypermobility; CORNEAL FRAGILITY, KERATOGLOBUS, BLUE SCLERAE, JOINT HYPEREXTENSIBILITY; EDS6B; FRAGILITAS OCULI WITH JOINT HYPEREXTENSIBILITY; DYSGENESIS MESODERMALIS CORNEAE ET SCLERAE. Identifiers: Orphanet 90354, MedGen C0268344, MONDO:0024543, OMIM 229200.
Ehlers-Danlos syndrome (EDS). Identifiers: Orphanet 98249, MedGen C0013720, MONDO:0020066.
Cardiovascular phenotype. Identifiers: MedGen CN230736.

Allele frequency attached by ClinVar (database versions not stated): TOPMed 0.00104; gnomAD exomes 0.00111 and 0.00208; gnomAD 0.00113 and 0.00145; ExAC 0.00129; 1000 Genomes Project 0.00459; 1000 Genomes Project 30x 0.00484.
gnomAD v4.1: 1,771 of 1,550,248 alleles (0.11%); highest among the groups gnomAD compares: East Asian, 2.8%; 26 homozygotes.

Submissions (10):

Labcorp Genetics (formerly Invitae), Labcorp
Classification: Benign. Last evaluated: 2026-02-04. Review status: criteria provided, single submitter. Criteria: Invitae Variant Classification Sherloc (09022015). Collection method: clinical testing. Allele origin: germline.

Blueprint Genetics
Classification: Likely benign. Last evaluated: 2024-11-15. Review status: criteria provided, single submitter. Criteria: ACMG Guidelines, 2015. Collection method: clinical testing. Allele origin: germline.

Mayo Clinic Laboratories, Mayo Clinic
Classification: Benign. Last evaluated: 2024-01-03. Review status: criteria provided, single submitter. Criteria: ACMG Guidelines, 2015. Collection method: clinical testing. Allele origin: germline. Observed: 4 variant alleles.
Comment: BA1, BP4

Genome-Nilou Lab
Classification: Benign for Brittle cornea syndrome 1. Last evaluated: 2021-12-05. Review status: criteria provided, single submitter. Criteria: ACMG Guidelines, 2015. Collection method: clinical testing. Allele origin: germline. Affected: no.

Genome Diagnostics Laboratory, The Hospital for Sick Children
Classification: Likely benign for Ehlers-Danlos syndrome. Last evaluated: 2020-02-01. Review status: criteria provided, single submitter. Criteria: ACMG Guidelines, 2015. Collection method: clinical testing. Allele origin: germline.

Ambry Genetics
Classification: Benign for Cardiovascular phenotype. Last evaluated: 2019-02-25. Review status: criteria provided, single submitter. Criteria: Ambry Variant Classification Scheme 2023. Collection method: clinical testing. Allele origin: germline.

GeneDx
Classification: Benign. Last evaluated: 2019-01-15. Review status: criteria provided, single submitter. Criteria: GeneDx Variant Classification Process June 2021. Collection method: clinical testing. Allele origin: germline. Affected: yes.
Comment: This variant is associated with the following publications: (PMID: 28484309)

Breakthrough Genomics
Classification: Benign. Review status: criteria provided, single submitter. Criteria: ACMG Guidelines, 2015. Collection method: not provided. Allele origin: germline. Inheritance: Autosomal recessive inheritance. Affected: yes.

Clinical Genetics DNA and cytogenetics Diagnostics Lab, Erasmus MC, Erasmus Medical Center
Classification: Benign. Review status: no assertion criteria provided. Collection method: clinical testing. Allele origin: germline. Affected: yes. Study: VKGL Data-share Consensus. Not counted in ClinVar's aggregate classification.

Genome Diagnostics Laboratory, Amsterdam University Medical Center
Classification: Likely benign. Review status: no assertion criteria provided. Collection method: clinical testing. Allele origin: germline. Affected: yes. Study: VKGL Data-share Consensus. Not counted in ClinVar's aggregate classification.

Literature cited by the submitters: PubMed 28484309 (cited by Ambry Genetics).